The following is an entry in ClinVar:

ClinVar aggregate classification (germline): not provided. Review status: no classification provided (0 of 4 stars). 2 submissions from 1 submitter: not provided (2).

Conditions:
Large for gestational age. Identifiers: MedGen C1848395, HP:0001520.
Normal pregnancy. Identifiers: MedGen C0232989.

Submissions (2):

Institute of Molecular and Cell Biology, University of Tartu
No classification provided. Condition: Large for gestational age. Review status: no classification provided. Collection method: case-control. Allele origin: unknown. Affected: yes. Study: Kasak2014.
Comment: The study aimed to determine the contribution of copy number variants in the genetic etiology of normal and complicated pregnancies. The samples represented (i) maternal blood DNA drawn from healthy pregnant women during 1st or 2nd trimester and (ii) maternal and paternal blood DNA drawn at term pregnancy cases representing normal and complicated gestations (severe preeclampsia, PE; gestational diabetes, GD; small-for-gestational age newborn, SGA; large-for-gestational age newborn, LGA). We performed CNV calling based on genome-wide genotyping dataset (Illumina HumanOmniExpress-24-v1 BeadChip) by applying three algorithms, QuantiSNP, GADA (Genome Alteration Detection Algorithm) and CNstream in parallel. The acquired CNV calls were merged with HD-CNV (Hotspot Detector for Copy Number Variants) program and only the CNVs predicted by at least two programs, were considered in subsequent analysis.

Institute of Molecular and Cell Biology, University of Tartu
No classification provided. Condition: Normal pregnancy. Review status: no classification provided. Collection method: case-control. Allele origin: unknown. Affected: yes. Study: Kasak2014.
Comment: the same text as in the submission from Institute of Molecular and Cell Biology, University of Tartu above.

Literature cited by the submitters: PubMed 25666259.

NM_005235.2(ERBB4):c.83-201761_83-197406del

Gene: ERBB4 (erb-b2 receptor tyrosine kinase 4; minus strand). Cytogenetic location: 2q34.
Variant type: Deletion.
Coding change: c.83-201761_83-197406del on transcript NM_005235.2; 201761 bases into the intron before coding-DNA position 83 through 197406 bases into the intron before coding-DNA position 83, this stretch deleted.
Other names: c.83-201761_83-197406del (NM_001042599.1).
Identifiers: ClinVar variation 156819 (VCV000156819.2).